The following is an entry in ClinVar:

ClinVar aggregate classification (germline): Uncertain significance (1 of 4 stars; one submission).

Submission:

Labcorp Genetics (formerly Invitae), Labcorp
Classification: Uncertain significance. Last evaluated: 2022-05-20. Review status: criteria provided, single submitter. Criteria: Invitae Variant Classification Sherloc (09022015). Collection method: clinical testing. Allele origin: germline.
Comment: In summary, the available evidence is currently insufficient to determine the role of this variant in disease. Therefore, it has been classified as a Variant of Uncertain Significance. Algorithms developed to predict the effect of missense changes on protein structure and function (SIFT, PolyPhen-2, Align-GVGD) all suggest that this variant is likely to be disruptive. This variant has not been reported in the literature in individuals affected with ERCC6-related conditions. This variant is not present in population databases (gnomAD no frequency). This sequence change replaces glutamic acid, which is acidic and polar, with glycine, which is neutral and non-polar, at codon 130 of the ERCC6 protein (p.Glu130Gly).

NM_000124.4(ERCC6):c.389A>G (p.Glu130Gly)

Gene: ERCC6 (ERCC excision repair 6, chromatin remodeling factor; minus strand). Cytogenetic location: 10q11.23.
Variant type: single nucleotide variant.
Coding change: c.389A>G on transcript NM_000124.4 (MANE Select); coding-DNA position 389, A replaced by G.
Protein change: p.Glu130Gly; replaces glutamic acid 130 with glycine.
Molecular consequence: missense variant.
Genome position (GRCh38, 1-based): chr10:49,532,576, T>C on the plus strand (A>G on the coding strand, the complement: ERCC6 is on the minus strand). VCF-style: chr10-49532576-T-C. GRCh37 (hg19) VCF-style: chr10-50740622-T-C.
Other names: c.389A>G, p.Glu130Gly (NM_001277058.2, NM_001277059.2, NM_001346440.2); short protein forms E130G.
Identifiers: ClinVar variation 1919400 (VCV001919400.5), dbSNP rs2496173100, ClinGen allele CA376712009.